The following is an entry in ClinVar:

NM_005857.5(ZMPSTE24):c.709G>T (p.Glu237Ter)

Gene: ZMPSTE24 (zinc metallopeptidase STE24; plus strand). Cytogenetic location: 1p34.2.
Variant type: single nucleotide variant.
Coding change: c.709G>T on transcript NM_005857.5 (MANE Select); coding-DNA position 709, G replaced by T.
Protein change: p.Glu237Ter; replaces glutamic acid 237 with a stop codon.
Molecular consequence: nonsense.
Genome position (GRCh38, 1-based): chr1:40,271,975, G>T. VCF-style: chr1-40271975-G-T. GRCh37 (hg19) VCF-style: chr1-40737647-G-T.
Other names: c.709G>T (LRG_212t1); short protein forms E237*.
Identifiers: ClinVar variation 140537 (VCV000140537.6), dbSNP rs281875370, ClinGen allele CA232760.

ClinVar aggregate classification (germline): Pathogenic/Likely pathogenic. Review status: criteria provided, multiple submitters, no conflicts (2 of 4 stars). 4 submissions from 4 submitters: Pathogenic (2); Likely pathogenic (1). 1 of the submissions does not count toward it. Last evaluated 2023-12-28.

Conditions:
Mandibuloacral dysplasia with type B lipodystrophy (MADB). Also called: LIPODYSTROPHY, TYPE B, ASSOCIATED WITH MANDIBULOACRAL DYSPLASIA. Identifiers: Orphanet 2457, Orphanet 90154, MedGen C1837756, MONDO:0012074, OMIM 608612.
Lethal tight skin contracture syndrome. Also called: FETAL HYPOKINESIA SEQUENCE DUE TO RESTRICTIVE DERMOPATHY; HYPERKERATOSIS-CONTRACTURE SYNDROME; RESTRICTIVE DERMOPATHY, LETHAL; Restrictive dermopathy. Identifiers: Orphanet 1662, MedGen C0406585, MONDO:0031213.

Allele frequency attached by ClinVar (database versions not stated): gnomAD below 0.00001 and 0.00001; TOPMed below 0.00001; gnomAD exomes 0.00001 and 0.00002; ExAC 0.00002.
gnomAD v4.1: 10 of 1,613,312 alleles (0.00062%); highest among the groups gnomAD compares: South Asian, 0.0088%; no homozygotes.

Submissions (4):

Labcorp Genetics (formerly Invitae), Labcorp
Classification: Pathogenic. Last evaluated: 2023-12-28. Review status: criteria provided, single submitter. Criteria: Invitae Variant Classification Sherloc (09022015). Collection method: clinical testing. Allele origin: germline.
Comment: This sequence change creates a premature translational stop signal (p.Glu237*) in the ZMPSTE24 gene. It is expected to result in an absent or disrupted protein product. Loss-of-function variants in ZMPSTE24 are known to be pathogenic (PMID: 22718200, 24169522). This variant is present in population databases (rs281875370, gnomAD 0.01%). This variant has not been reported in the literature in individuals affected with ZMPSTE24-related conditions. ClinVar contains an entry for this variant (Variation ID: 140537). For these reasons, this variant has been classified as Pathogenic.

Fulgent Genetics
Classification: Likely pathogenic for Restrictive dermopathy 1; Mandibuloacral dysplasia with type B lipodystrophy. Last evaluated: 2022-02-22. Review status: criteria provided, single submitter. Criteria: ACMG Guidelines, 2015. Collection method: clinical testing. Allele origin: unknown.

Clinical Genetics and Genomics, Karolinska University Hospital
Classification: Pathogenic. Last evaluated: 2017-02-28. Review status: criteria provided, single submitter. Criteria: ACMG Guidelines, 2015. Collection method: clinical testing. Allele origin: germline. Affected: yes. Observed: 3 variant alleles.

ZMPSTE24 homepage - Leiden Muscular Dystrophy pages
No classification provided. Review status: no classification provided. Collection method: not provided. Allele origin: germline. Not counted in ClinVar's aggregate classification.
Comment: probably has functional consequence

Literature cited by the submitters: PubMed 22718200 (cited by Labcorp Genetics (formerly Invitae), Labcorp); PubMed 24169522 (cited by Labcorp Genetics (formerly Invitae), Labcorp).